The following is an entry in ClinVar:

NM_001365276.2(TNXB):c.9602_9607del (p.Lys3201_Asp3202del)

Gene: TNXB (tenascin XB; minus strand). Cytogenetic location: 6p21.33.
Variant type: Deletion.
Coding change: c.9602_9607del on transcript NM_001365276.2 (MANE Select); coding-DNA positions 9602 to 9607, 6 bases deleted (AGGACA; older notation c.9602_9607delAGGACA).
Protein change: p.Lys3201_Asp3202del.
Molecular consequence: inframe deletion.
Genome position (GRCh38, 1-based): chr6:32,049,420-32,049,425, TGTCCT deleted on the plus strand (AGGACA on the coding strand, the reverse complement: TNXB is on the minus strand); deleting any 6 consecutive bases within chr6:32,049,420-32,049,428 gives the same sequence; the c. name uses the placement nearest the transcript's 3' end. VCF-style (leftmost placement, unchanged base first): chr6-32049419-CTGTCCT-C. GRCh37 (hg19) VCF-style: chr6-32017196-CTGTCCT-C.
Other names: c.10343_10348del, p.Lys3448_Asp3449del (NM_001428335.1); c.9596_9601del, p.Lys3199_Asp3200del (NM_019105.8).
Identifiers: ClinVar variation 5004778 (VCV005004778.1).

ClinVar aggregate classification (germline): Uncertain significance (1 of 4 stars; one submission).

Conditions:
Ehlers-Danlos syndrome due to tenascin-X deficiency (EDSCLL1). Also called: EHLERS-DANLOS SYNDROME, CLASSIC-LIKE; Ehlers-Danlos syndrome, classic-like, 1; EDS DUE TO TNX DEFICIENCY; TNX DEFICIENCY; TNXB-Related Classical-Like Ehlers-Danlos Syndrome. Identifiers: Orphanet 230839, MedGen C1848029, MONDO:0011670, OMIM 606408.

Submission:

Myriad Genetics, Inc.
Classification: Uncertain significance for Ehlers-Danlos syndrome due to tenascin-X deficiency. Last evaluated: 2026-07-07. Review status: criteria provided, single submitter. Criteria: Myriad Autosomal Dominant, Autosomal Recessive and X-Linked Classification Criteria (2023). Collection method: clinical testing. Allele origin: unknown.
Comment: NM_019105.6(TNXB):c.9596_9601del6(K3199_D3200del) is an in-frame deletion classified as a variant of uncertain significance in the context of classical-like Ehlers-Danlos syndrome, TNXB-related. K3199_D3200del has not been observed in cases with relevant disease. Relevant functional assessments of this variant are not available in the literature. K3199_D3200del has not been observed in referenced population frequency databases. In summary, there is insufficient evidence to classify NM_019105.6(TNXB):c.9596_9601del6(K3199_D3200del) as pathogenic or benign. Please note: this variant was assessed in the context of healthy population screening.